The following is an entry in ClinVar:

NM_003242.6(TGFBR2):c.357A>G (p.Pro119=)

Gene: TGFBR2 (transforming growth factor beta receptor 2; plus strand). Cytogenetic location: 3p24.1.
Variant type: single nucleotide variant.
Coding change: c.357A>G on transcript NM_003242.6 (MANE Select); coding-DNA position 357, A replaced by G.
Protein change: p.Pro119=; no amino-acid change (proline 119 retained).
Molecular consequence: synonymous variant. On other transcripts: intron variant (2).
Genome position (GRCh38, 1-based): chr3:30,650,363, A>G. VCF-style: chr3-30650363-A-G. GRCh37 (hg19) VCF-style: chr3-30691855-A-G.
Other names: c.432A>G, p.Pro144= (NM_001024847.3, NM_001407126.1, NM_001407139.1); c.357A>G, p.Pro119= (NM_001407127.1, NM_001407130.1); c.384A>G, p.Pro128= (NM_001407128.1); c.252A>G, p.Pro84= (NM_001407129.1, NM_001407132.1, NM_001407133.1 and 3 more transcripts); c.170-21275A>G (NM_001407137.1); c.95-21275A>G (NM_001407138.1).
Identifiers: ClinVar variation 3069879 (VCV003069879.1), dbSNP rs1289655076, ClinGen allele CA432917433.
Genomic context (GRCh38, chr3:30,650,363, plus strand): 5'-AGTTTGCCATGACCCCAAGCTCCCCTACCATGACTTTATTCTGGAAGATGCTGCTTCTCC[A>G]AAGTGCATTATGAAGGAAAAAAAAAAGCCTGGTGAGACTTTCTTCATGTGTTCCTGTAGC-3'
Protein context (NP_003233.4, residues 109-129): HDFILEDAAS[Pro119=]KCIMKEKKKP

ClinVar aggregate classification (germline): Likely benign (1 of 4 stars; one submission).

Conditions:
Loeys-Dietz syndrome 2 (LDS2). Also called: AORTIC ANEURYSM, FAMILIAL THORACIC 3; MARFAN SYNDROME, TYPE II; Marfan syndrome, type 2 (formerly); TGFBR2-Related Loeys-Dietz Syndrome; Marfan Syndrome type 2; Marfan like connective tissue disorder. Identifiers: Orphanet 284973, Orphanet 558, MedGen C2674574, MONDO:0012427, OMIM 610168.

Allele frequency attached by ClinVar (database versions not stated): gnomAD exomes 0.00001.
gnomAD v4.1: 5 of 1,614,076 alleles (0.00031%); highest among the groups gnomAD compares: Non-Finnish European, 0.00042%; no homozygotes.

Submission:

All of Us Research Program, National Institutes of Health
Classification: Likely benign for Loeys-Dietz syndrome 2. Last evaluated: 2023-03-09. Review status: criteria provided, single submitter. Criteria: ACMG Guidelines, 2015. Collection method: clinical testing. Allele origin: germline. Inheritance: Autosomal dominant inheritance. Observed: 1 variant allele, 1 heterozygote.
Comment: This study involves interpretation of variants in research participants for the purpose of population health screening. Participant phenotype was not available at the time of variant classification. Additional details can be found in publication PMID: 35346344, PMCID: PMC8962531